The following is an entry in ClinVar:

ClinVar aggregate classification (germline): Conflicting classifications of pathogenicity. Review status: criteria provided, conflicting classifications (1 of 4 stars). 4 submissions from 4 submitters: Uncertain significance (3); Likely benign (1). Last evaluated 2023-02-23.

Conditions:
Autosomal recessive limb-girdle muscular dystrophy type 2J (LGMDR10). Also called: MUSCULAR DYSTROPHY, LIMB-GIRDLE, AUTOSOMAL RECESSIVE 10; Limb-girdle muscular dystrophy, type 2J. Identifiers: Orphanet 140922, MedGen C1837342, MONDO:0012127, OMIM 608807.
Dilated cardiomyopathy 1G (CMD1G). Identifiers: Orphanet 154, MedGen C1858763, MONDO:0011400, OMIM 604145.
Myopathy, myofibrillar, 9, with early respiratory failure (MFM9). Also called: Hereditary myopathy with early respiratory failure; EDSTROM MYOPATHY; MYOPATHY, PROXIMAL, WITH EARLY RESPIRATORY MUSCLE INVOLVEMENT; Myopathy, distal, with early respiratory failure, autosomal dominant. Identifiers: Orphanet 178464, Orphanet 34521, MedGen C1863599, MONDO:0011362, OMIM 603689.
Hypertrophic cardiomyopathy 9. Also called: Familial hypertrophic cardiomyopathy 9. Identifiers: MedGen C1861065, MONDO:0013412, OMIM 613765.
Early-onset myopathy with fatal cardiomyopathy (CMYO5). Also called: CONGENITAL MYOPATHY 5 WITH CARDIOMYOPATHY; Salih Myopathy. Identifiers: Orphanet 289377, MedGen C2673677, MONDO:0012714, OMIM 611705. Disease mechanism: loss of function.
Tibial muscular dystrophy (TMD). Also called: Tibial muscular dystrophy, tardive; UDD MYOPATHY; Udd Distal Myopathy – Tibial Muscular Dystrophy. Identifiers: Orphanet 609, MedGen C1838244, MONDO:0010870, OMIM 600334.

Allele frequency attached by ClinVar (database versions not stated): gnomAD exomes 0.00001; ExAC 0.00002; gnomAD 0.00003; TOPMed 0.00003.
gnomAD v4.1: 17 of 1,614,122 alleles (0.0011%); highest among the groups gnomAD compares: South Asian, 0.0044%; no homozygotes.

Submissions (4):

Blueprint Genetics
Classification: Likely benign. Last evaluated: 2023-02-23. Review status: criteria provided, single submitter. Criteria: ACMG Guidelines, 2015. Collection method: clinical testing. Allele origin: germline.

Fulgent Genetics
Classification: Uncertain significance for Tibial muscular dystrophy; Myopathy, myofibrillar, 9, with early respiratory failure; Dilated cardiomyopathy 1G; Autosomal recessive limb-girdle muscular dystrophy type 2J; Early-onset myopathy with fatal cardiomyopathy; Hypertrophic cardiomyopathy 9. Last evaluated: 2021-07-19. Review status: criteria provided, single submitter. Criteria: ACMG Guidelines, 2015. Collection method: clinical testing. Allele origin: unknown.

Labcorp Genetics (formerly Invitae), Labcorp
Classification: Uncertain significance for Dilated cardiomyopathy 1G; Autosomal recessive limb-girdle muscular dystrophy type 2J. Last evaluated: 2017-04-12. Review status: criteria provided, single submitter. Criteria: Invitae Variant Classification Sherloc (09022015). Collection method: clinical testing. Allele origin: germline.

Biesecker Lab/Clinical Genomics Section, National Institutes of Health
Classification: Uncertain significance. Last evaluated: 2013-06-24. Review status: criteria provided, single submitter. Criteria: Ng et al. (Circ Cardiovasc Genet. 2013). Collection method: research. Allele origin: unknown. Observed: 1 variant allele. Study: ClinSeq.
Comment: The study set was not selected for affection status in relation to any cancer. Pathogenicity categories were based on literature curation. See Pubmed ID:23861362 for details.

Medical sequencing

NM_001267550.2(TTN):c.2254C>T (p.Arg752Cys)

Gene: TTN (titin; minus strand). Cytogenetic location: 2q31.2.
Variant type: single nucleotide variant.
Coding change: c.2254C>T on transcript NM_001267550.2 (MANE Select); coding-DNA position 2254, C replaced by T.
Protein change: p.Arg752Cys; replaces arginine 752 with cysteine.
Molecular consequence: missense variant.
Genome position (GRCh38, 1-based): chr2:178,785,964, G>A on the plus strand (C>T on the coding strand, the complement: TTN is on the minus strand). VCF-style: chr2-178785964-G-A. GRCh37 (hg19) VCF-style: chr2-179650691-G-A.
Other names: c.2116C>T, p.Arg706Cys (NM_003319.4, NM_133432.3, NM_133437.4); c.2254C>T, p.Arg752Cys (NM_133379.5, NM_001256850.1, NM_133378.4); short protein forms R752C, R706C.
Identifiers: ClinVar variation 192095 (VCV000192095.5), dbSNP rs200677631, ClinGen allele CA238329.